The following is an entry in ClinVar:

NM_001130987.2(DYSF):c.5406G>C (p.Glu1802Asp)

Gene: DYSF (dysferlin; plus strand). Cytogenetic location: 2p13.2.
Variant type: single nucleotide variant.
Coding change: c.5406G>C on transcript NM_001130987.2 (MANE Select); coding-DNA position 5406, G replaced by C.
Protein change: p.Glu1802Asp; replaces glutamic acid 1802 with aspartic acid.
Molecular consequence: missense variant.
Genome position (GRCh38, 1-based): chr2:71,667,464, G>C. VCF-style: chr2-71667464-G-C. GRCh37 (hg19) VCF-style: chr2-71894594-G-C.
Other names: c.5292G>C, p.Glu1764Asp (NM_001130455.2); c.5247G>C, p.Glu1749Asp (NM_001130976.2); c.5310G>C, p.Glu1770Asp (NM_001130977.2); c.5352G>C, p.Glu1784Asp (NM_001130978.2); c.5382G>C, p.Glu1794Asp (NM_001130979.2); c.5340G>C, p.Glu1780Asp (NM_001130980.2); c.5403G>C, p.Glu1801Asp (NM_001130981.2); c.5385G>C, p.Glu1795Asp (NM_001130982.2); and 5 more; short protein forms E1749D, E1750D, E1763D, E1764D, E1770D, E1771D, E1780D, E1781D.
Identifiers: ClinVar variation 1804745 (VCV001804745.1), dbSNP rs2546561372, ClinGen allele CA347221384.

ClinVar aggregate classification (germline): Uncertain significance (1 of 4 stars; one submission).

Allele frequency attached by ClinVar (database versions not stated): gnomAD exomes 0.00001.

Submission:

Women's Health and Genetics/Laboratory Corporation of America, LabCorp
Classification: Uncertain significance. Last evaluated: 2022-11-08. Review status: criteria provided, single submitter. Criteria: LabCorp Variant Classification Summary - May 2015. Collection method: clinical testing. Allele origin: germline.
Comment: Variant summary: DYSF c.5289G>C (p.Glu1763Asp) results in a conservative amino acid change in the encoded protein sequence. Three of five in-silico tools predict a damaging effect of the variant on protein function. The variant was absent in 251264 control chromosomes. c.5289G>C has been reported in the literature as the only detected mutant allele in two unrelated affected patients with severe reduction of dysferlin in skeletal muscle and PBM via Western blot and RT-PCR analysis (Meznaric_2011). The variant was also reported in a whole exome case diagnosed with Limb girdle muscular dystrophy in which two other potentially pathogenic variants were found in the patient (Fichna_2018). These reports do not provide unequivocal conclusions about association of the variant with Limb-Girdle Muscular Dystrophy, Autosomal Recessive. No clinical diagnostic laboratories have submitted clinical-significance assessments for this variant to ClinVar after 2014. Based on the evidence outlined above, the variant was classified as VUS-possibly pathogenic.

Literature cited by the submitters: PubMed 29970176; PubMed 21658164.